The following is an entry in ClinVar:

NM_001378457.1(DMXL2):c.1427C>G (p.Thr476Ser)

Gene: DMXL2 (Dmx like 2; minus strand). Cytogenetic location: 15q21.2.
Variant type: single nucleotide variant.
Coding change: c.1427C>G on transcript NM_001378457.1 (MANE Select); coding-DNA position 1427, C replaced by G.
Protein change: p.Thr476Ser; replaces threonine 476 with serine.
Molecular consequence: missense variant. On other transcripts: non-coding transcript variant (2).
Genome position (GRCh38, 1-based): chr15:51,537,678, G>C on the plus strand (C>G on the coding strand, the complement: DMXL2 is on the minus strand). VCF-style: chr15-51537678-G-C. GRCh37 (hg19) VCF-style: chr15-51829875-G-C.
Other names: c.1427C>G (NM_001174116.1); c.1427C>G, p.Thr476Ser (NM_001174116.3, NM_001174117.3, NM_001378458.1 and 6 more transcripts); c.1187C>G, p.Thr396Ser (NM_001378464.1); short protein forms T396S, T476S.
Identifiers: ClinVar variation 1344761 (VCV001344761.9), dbSNP rs757537450, ClinGen allele CA7562588.

ClinVar aggregate classification (germline): Uncertain significance. Review status: criteria provided, multiple submitters, no conflicts (2 of 4 stars). 4 submissions from 4 submitters: Uncertain significance (3). 1 of the submissions does not count toward it. Last evaluated 2026-02-20.

Conditions:
Amenorrhea. Identifiers: MedGen C0002453, MONDO:0001836, HP:0000141.
DMXL2-related disorder. Also called: DMXL2-related condition.

Allele frequency attached by ClinVar (database versions not stated): TOPMed 0.00009; gnomAD 0.00012 and 0.00013; gnomAD exomes 0.00013; ExAC 0.00014.
gnomAD v4.1: 488 of 1,613,760 alleles (0.03%); highest among the groups gnomAD compares: Non-Finnish European, 0.04%; no homozygotes.

Submissions (4):

PreventionGenetics, part of Exact Sciences
Classification: Uncertain significance for DMXL2-related condition. Last evaluated: 2026-02-20. Review status: criteria provided, single submitter. Criteria: ACMG Guidelines, 2015. Collection method: clinical testing. Allele origin: germline.
Comment: The DMXL2 c.1427C>G variant is predicted to result in the amino acid substitution p.Thr476Ser. This variant has been reported in an individual with hypothalamic amenorrhea (Delaney et al. 2021. PubMed ID: 32870266). This variant is reported in 0.026% of alleles in individuals of European (Non-Finnish) descent in gnomAD. At this time, the clinical significance of this variant is uncertain due to the absence of conclusive functional and genetic evidence.

CeGaT Center for Human Genetics Tuebingen
Classification: Uncertain significance. Last evaluated: 2025-12-01. Review status: criteria provided, single submitter. Criteria: CeGaT Center For Human Genetics Tuebingen Variant Classification Criteria Version 2. Collection method: clinical testing. Allele origin: germline. Affected: yes. Observed: 1 variant allele.
Comment: DMXL2: PM2, BP4

Labcorp Genetics (formerly Invitae), Labcorp
Classification: Uncertain significance. Last evaluated: 2022-11-03. Review status: criteria provided, single submitter. Criteria: Invitae Variant Classification Sherloc (09022015). Collection method: clinical testing. Allele origin: germline.
Comment: This sequence change replaces threonine, which is neutral and polar, with serine, which is neutral and polar, at codon 476 of the DMXL2 protein (p.Thr476Ser). This variant is present in population databases (rs757537450, gnomAD 0.03%). This variant has not been reported in the literature in individuals affected with DMXL2-related conditions. ClinVar contains an entry for this variant (Variation ID: 1344761). Algorithms developed to predict the effect of missense changes on protein structure and function (SIFT, PolyPhen-2, Align-GVGD) all suggest that this variant is likely to be tolerated. In summary, the available evidence is currently insufficient to determine the role of this variant in disease. Therefore, it has been classified as a Variant of Uncertain Significance.

Yale Center for Mendelian Genomics, Yale University
Classification: Uncertain significance for Amenorrhea. Last evaluated: 2021-03-08. Review status: no assertion criteria provided. Collection method: literature only. Allele origin: unknown. Affected: yes. Observed: 1 heterozygote. Study: Yale Center for Mendelian Genomics. Not counted in ClinVar's aggregate classification.

Literature cited by the submitters: PubMed 32870266 (cited by Yale Center for Mendelian Genomics, Yale University).